The following is an entry in ClinVar:

NM_001034852.3(SMOC1):c.223C>T (p.Arg75Ter)

Gene: SMOC1 (SPARC related modular calcium binding 1; plus strand). Cytogenetic location: 14q24.2.
Variant type: single nucleotide variant.
Coding change: c.223C>T on transcript NM_001034852.3 (MANE Select); coding-DNA position 223, C replaced by T.
Protein change: p.Arg75Ter; replaces arginine 75 with a stop codon.
Molecular consequence: nonsense.
Genome position (GRCh38, 1-based): chr14:69,952,261, C>T. VCF-style: chr14-69952261-C-T. GRCh37 (hg19) VCF-style: chr14-70418978-C-T.
Other names: c.223C>T, p.Arg75Ter (NM_022137.6); c.223C>T (NM_001034852.2); short protein forms R75*.
Identifiers: ClinVar variation 599220 (VCV000599220.5), dbSNP rs370866589, ClinGen allele CA7246378.

ClinVar aggregate classification (germline): Pathogenic. Review status: criteria provided, multiple submitters, no conflicts (2 of 4 stars). 3 submissions from 3 submitters: Pathogenic (2). 1 of the submissions does not count toward it. Last evaluated 2024-08-12.

Conditions:
Microphthalmia with limb anomalies (MLA). Also called: ANOPHTHALMIA-SYNDACTYLY; OPHTHALMOACROMELIC SYNDROME; MICROPHTHALMIA AND LIMB ANOMALIES. Identifiers: Orphanet 1106, MedGen C0599973, MONDO:0008800, OMIM 206920.

Allele frequency attached by ClinVar (database versions not stated): gnomAD 0.00003; ESP Exome Variant Server 0.00008.
gnomAD v4.1: 14 of 1,614,066 alleles (0.00087%); highest among the groups gnomAD compares: Admixed American, 0.0017%; no homozygotes.

Submissions (3):

Labcorp Genetics (formerly Invitae), Labcorp
Classification: Pathogenic. Last evaluated: 2024-08-12. Review status: criteria provided, single submitter. Criteria: Invitae Variant Classification Sherloc (09022015). Collection method: clinical testing. Allele origin: germline.
Comment: This sequence change creates a premature translational stop signal (p.Arg75*) in the SMOC1 gene. It is expected to result in an absent or disrupted protein product. Loss-of-function variants in SMOC1 are known to be pathogenic (PMID: 21194678). This variant is present in population databases (rs370866589, gnomAD 0.003%). This premature translational stop signal has been observed in individual(s) with ophthalmo-acromelic syndrome (PMID: 21750680, 31067494). ClinVar contains an entry for this variant (Variation ID: 599220). For these reasons, this variant has been classified as Pathogenic.

GeneDx
Classification: Pathogenic. Last evaluated: 2023-12-14. Review status: criteria provided, single submitter. Criteria: GeneDx Variant Classification Process June 2021. Collection method: clinical testing. Allele origin: germline. Affected: yes.
Comment: Nonsense variant predicted to result in protein truncation or nonsense mediated decay in a gene for which loss of function is a known mechanism of disease; This variant is associated with the following publications: (PMID: 21750680, 31067494)

Hacettepe Genetic Diseases Diagnosis Center, Hacettepe University Faculty of Medicine
Classification: Likely pathogenic for Microphthalmia with limb anomalies. Last evaluated: 2017-11-23. Review status: no assertion criteria provided. Collection method: clinical testing. Allele origin: germline. Inheritance: Autosomal recessive inheritance. Affected: yes. Observed: 1 homozygote. Not counted in ClinVar's aggregate classification.
Comment: In summary, the p.Arg75Ter variant meets our criteria to be classified as likely pathogenic.

Literature cited by the submitters: PubMed 21194678 (cited by Labcorp Genetics (formerly Invitae), Labcorp); PubMed 21750680 (cited by Labcorp Genetics (formerly Invitae), Labcorp); PubMed 31067494 (cited by Labcorp Genetics (formerly Invitae), Labcorp).